The following is an entry in ClinVar:

ClinVar aggregate classification (germline): Pathogenic (1 of 4 stars; one submission).

Conditions:
Duchenne muscular dystrophy (DMD). Also called: MUSCULAR DYSTROPHY, PSEUDOHYPERTROPHIC PROGRESSIVE, DUCHENNE TYPE; Duchenne Muscular Dystrophy (DMD). Identifiers: Orphanet 98896, MedGen C0013264, MONDO:0010679, OMIM 310200.

Submission:

Labcorp Genetics (formerly Invitae), Labcorp
Classification: Pathogenic for Duchenne muscular dystrophy. Last evaluated: 2018-10-06. Review status: criteria provided, single submitter. Criteria: Invitae Variant Classification Sherloc (09022015). Collection method: clinical testing. Allele origin: germline.
Comment: For these reasons, this variant has been classified as Pathogenic. Loss-of-function variants in DMD are known to be pathogenic (PMID: 16770791, 25007885). A similar deletion of exons 61-62 has been observed in an individual affected with¬†dystrophinopathy¬†(PMID:¬†22090376). This variant is an out-of-frame deletion of the genomic region encompassing exons 61-62 of the DMD gene. This is expected to create a premature translational stop signal and result in an absent or disrupted protein product.

Literature cited by the submitters: PubMed 16770791; PubMed 25007885.

NC_000023.11:g.(?_31314406)_(31364153_?)del

Gene: DMD (dystrophin; minus strand). Cytogenetic location: Xp21.2.
Variant type: Deletion.
Identifiers: ClinVar variation 655764 (VCV000655764.8).